The following is an entry in ClinVar:

ClinVar aggregate classification (germline): Uncertain significance (1 of 4 stars; one submission).

Allele frequency attached by ClinVar (database versions not stated): ExAC 0.00001; gnomAD exomes 0.00001; TOPMed 0.00002.
gnomAD v4.1: 9 of 1,614,206 alleles (0.00056%); highest among the groups gnomAD compares: East Asian, 0.0022%; no homozygotes.

Submission:

Labcorp Genetics (formerly Invitae), Labcorp
Classification: Uncertain significance. Last evaluated: 2024-10-22. Review status: criteria provided, single submitter. Criteria: Invitae Variant Classification Sherloc (09022015). Collection method: clinical testing. Allele origin: germline.
Comment: This sequence change replaces proline, which is neutral and non-polar, with serine, which is neutral and polar, at codon 129 of the VARS2 protein (p.Pro129Ser). This variant is present in population databases (rs769133275, gnomAD 0.002%). This variant has not been reported in the literature in individuals affected with VARS2-related conditions. ClinVar contains an entry for this variant (Variation ID: 1479813). An algorithm developed to predict the effect of missense changes on protein structure and function (PolyPhen-2) suggests that this variant is likely to be tolerated. In summary, the available evidence is currently insufficient to determine the role of this variant in disease. Therefore, it has been classified as a Variant of Uncertain Significance.

NM_020442.6(VARS2):c.295C>T (p.Pro99Ser)

Gene: VARS2 (valyl-tRNA synthetase 2, mitochondrial; plus strand). Cytogenetic location: 6p21.33.
Variant type: single nucleotide variant.
Coding change: c.295C>T on transcript NM_020442.6 (MANE Select); coding-DNA position 295, C replaced by T.
Protein change: p.Pro99Ser; replaces proline 99 with serine.
Molecular consequence: missense variant. On other transcripts: 5 prime UTR variant (1).
Genome position (GRCh38, 1-based): chr6:30,915,366, C>T. VCF-style: chr6-30915366-C-T. GRCh37 (hg19) VCF-style: chr6-30883143-C-T.
Other names: c.-126C>T (NM_001167733.3); c.385C>T, p.Pro129Ser (NM_001167734.2); short protein forms P129S, P99S.
Identifiers: ClinVar variation 1479813 (VCV001479813.6), dbSNP rs769133275, ClinGen allele CA3705551.